The following is an entry in ClinVar:

ClinVar aggregate classification (germline): Uncertain significance (1 of 4 stars; one submission).

Conditions:
Hereditary cancer-predisposing syndrome. Also called: Hereditary Cancer Syndrome; Hereditary neoplastic syndrome; Tumor predisposition; Neoplastic Syndromes, Hereditary. Identifiers: Orphanet 140162, MedGen C0027672, MeSH D009386, MONDO:0015356.
Cardiovascular phenotype. Identifiers: MedGen CN230736.

Submission:

Ambry Genetics
Classification: Uncertain significance for Cardiovascular phenotype; Hereditary cancer-predisposing syndrome. Last evaluated: 2020-11-27. Review status: criteria provided, single submitter. Criteria: Ambry Variant Classification Scheme 2023. Collection method: clinical testing. Allele origin: germline.
Comment: The c.2308_2310delGTG variant (also known as p.V770del) is located in coding exon 19 of the LZTR1 gene. This variant results from an in-frame GTG deletion at nucleotide positions 2308 to 2310. This results in the in-frame deletion of a valine at codon 770. This amino acid position is highly conserved in available vertebrate species. In addition, this alteration is predicted to be deleterious by in silico analysis (Choi Y et al. PLoS ONE. 2012; 7(10):e46688). Since supporting evidence is limited at this time, the clinical significance of this alteration remains unclear.

NM_006767.4(LZTR1):c.2308_2310del (p.Val770del)

Gene: LZTR1 (leucine zipper like post translational regulator 1; plus strand). Cytogenetic location: 22q11.21.
Variant type: Deletion.
Coding change: c.2308_2310del on transcript NM_006767.4 (MANE Select); coding-DNA positions 2308 to 2310, 3 bases deleted (GTG; older notation c.2308_2310delGTG).
Protein change: p.Val770del; deletes valine 770.
Molecular consequence: inframe deletion.
Genome position (GRCh38, 1-based): chr22:20,996,784-20,996,786, GTG deleted; deleting any 3 consecutive bases within chr22:20,996,783-20,996,786 gives the same sequence; the c. name uses the placement nearest the transcript's 3' end. VCF-style (leftmost placement, unchanged base first): chr22-20996782-CGGT-C. GRCh37 (hg19) VCF-style: chr22-21351071-CGGT-C.
Other names: short protein forms V770del.
Identifiers: ClinVar variation 1789377 (VCV001789377.2), dbSNP rs763644659, ClinGen allele CA10119335.